The following is an entry in ClinVar:

NM_001001331.4(ATP2B2):c.3340GAG[1] (p.Glu1115del)

Gene: ATP2B2 (ATPase plasma membrane Ca2+ transporting 2; minus strand). Cytogenetic location: 3p25.3.
Variant type: Microsatellite.
Coding change: c.3340GAG[1] on transcript NM_001001331.4 (MANE Select); one copy of the 3-base unit GAG starting at c.3340; the reference has two copies in a row; one copy, 3 bases deleted.
Protein change: p.Glu1115del; deletes glutamic acid 1115.
Genome position (GRCh38, 1-based): chr3:10,338,251-10,338,253, CTC deleted on the plus strand (GAG on the coding strand, the reverse complement: ATP2B2 is on the minus strand); deleting any 3 consecutive bases within chr3:10,338,251-10,338,257 gives the same sequence; the position shown is the placement nearest the transcript's 3' end. VCF-style (leftmost placement, unchanged base first): chr3-10338250-TCTC-T. GRCh37 (hg19) VCF-style: chr3-10379934-TCTC-T.
Other names: c.3205GAG[1], p.Glu1070del (NM_001330611.3, NM_001353564.1, NM_001363862.1 and 1 more transcripts); short protein forms E1070del, E1115del.
Identifiers: ClinVar variation 3372449 (VCV003372449.1).

ClinVar aggregate classification (germline): Uncertain significance (1 of 4 stars; one submission).

Submission:

GeneDx
Classification: Uncertain significance. Last evaluated: 2024-04-11. Review status: criteria provided, single submitter. Criteria: GeneDx Variant Classification Process June 2021. Collection method: clinical testing. Allele origin: germline. Affected: yes.
Comment: Not observed at significant frequency in large population cohorts (gnomAD); In-frame deletion of 1 amino acids in a non-repeat region; In silico analysis supports a deleterious effect on protein structure/function; Has not been previously published as pathogenic or benign to our knowledge